The following is an entry in ClinVar:

ClinVar aggregate classification (germline): Likely benign. Review status: criteria provided, multiple submitters, no conflicts (2 of 4 stars). 3 submissions from 3 submitters: Likely benign (3). Last evaluated 2025-12-01.

Allele frequency attached by ClinVar (database versions not stated): gnomAD 0.00003; TOPMed 0.00005; ESP Exome Variant Server 0.00008; gnomAD exomes 0.00009; ExAC 0.00010; 1000 Genomes Project 30x 0.00016; 1000 Genomes Project 0.00020.

Submissions (3):

CeGaT Center for Human Genetics Tuebingen
Classification: Likely benign. Last evaluated: 2025-12-01. Review status: criteria provided, single submitter. Criteria: CeGaT Center For Human Genetics Tuebingen Variant Classification Criteria Version 2. Collection method: clinical testing. Allele origin: germline. Affected: yes. Observed: 2 variant alleles.
Comment: BPTF: BP4, BP7

Labcorp Genetics (formerly Invitae), Labcorp
Classification: Likely benign. Last evaluated: 2025-11-10. Review status: criteria provided, single submitter. Criteria: Invitae Variant Classification Sherloc (09022015). Collection method: clinical testing. Allele origin: germline.

Blueprint Genetics
Classification: Likely benign. Last evaluated: 2024-11-13. Review status: criteria provided, single submitter. Criteria: ACMG Guidelines, 2015. Collection method: clinical testing. Allele origin: germline.

NM_182641.4(BPTF):c.3993G>A (p.Pro1331=)

Gene: BPTF (bromodomain PHD finger transcription factor; plus strand). Cytogenetic location: 17q24.2.
Variant type: single nucleotide variant.
Coding change: c.3993G>A on transcript NM_182641.4 (MANE Select); coding-DNA position 3993, G replaced by A.
Protein change: p.Pro1331=; no amino-acid change (proline 1331 retained).
Molecular consequence: synonymous variant.
Genome position (GRCh38, 1-based): chr17:67,911,877, G>A. VCF-style: chr17-67911877-G-A. GRCh37 (hg19) VCF-style: chr17-65907993-G-A.
Other names: c.4371G>A, p.Pro1457= (NM_004459.7).
Identifiers: ClinVar variation 2199294 (VCV002199294.12), dbSNP rs371084809, ClinGen allele CA8725741.